The following is an entry in ClinVar:

NM_006031.6(PCNT):c.8593A>C (p.Arg2865=)

Gene: PCNT (pericentrin; plus strand). Cytogenetic location: 21q22.3.
Variant type: single nucleotide variant.
Coding change: c.8593A>C on transcript NM_006031.6 (MANE Select); coding-DNA position 8593, A replaced by C.
Protein change: p.Arg2865=; no amino-acid change (arginine 2865 retained).
Molecular consequence: synonymous variant. On other transcripts: intron variant (1).
Genome position (GRCh38, 1-based): chr21:46,432,057, A>C. VCF-style: chr21-46432057-A-C. GRCh37 (hg19) VCF-style: chr21-47851971-A-C.
Other names: c.8160+79A>C (NM_001315529.2).
Identifiers: ClinVar variation 3353259 (VCV003353259.1).
Genomic context (GRCh38, chr21:46,432,057, plus strand): 5'-TCGACGGTGGAAGCCCTGCACACCCAAAAACGAGAGCTGAGATGCTCTCTGGAGAGAGAG[A>C]GGGAGAAACCAGCGTGGTTGCAGGCAGAATTAGAGCAGTCACACCCACGGTTGAAAGAGC-3'
Protein context (NP_006022.3, residues 2855-2875): RELRCSLERE[Arg2865=]EKPAWLQAEL

ClinVar aggregate classification (germline): Likely benign (0 of 4 stars; one submission).

Conditions:
PCNT-related disorder. Also called: PCNT-related condition.

gnomAD v4.1: 1 of 1,614,002 alleles (0.000062%); highest among the groups gnomAD compares: Non-Finnish European, 0.000085%; no homozygotes.

Submission:

PreventionGenetics, part of Exact Sciences
Classification: Likely benign for PCNT-related condition. Last evaluated: 2023-12-05. Review status: no assertion criteria provided. Collection method: clinical testing. Allele origin: germline.
Comment: This variant is classified as likely benign based on ACMG/AMP sequence variant interpretation guidelines (Richards et al. 2015 PMID: 25741868, with internal and published modifications).